The following is an entry in ClinVar:

ClinVar aggregate classification (germline): Pathogenic (1 of 4 stars; one submission).

Conditions:
Hereditary spastic paraplegia 47. Also called: CEREBRAL PALSY, SPASTIC QUADRIPLEGIC, 5; Spastic paraplegia 47, autosomal recessive; adaptor protein 4 (AP-4) deficiency syndrome. Identifiers: Orphanet 280763, MedGen C3279738, MONDO:0013551, OMIM 614066.

Allele frequency attached by ClinVar (database versions not stated): gnomAD exomes below 0.00001; TOPMed below 0.00001.

Submission:

Labcorp Genetics (formerly Invitae), Labcorp
Classification: Pathogenic for Hereditary spastic paraplegia 47. Last evaluated: 2025-11-26. Review status: criteria provided, single submitter. Criteria: Invitae Variant Classification Sherloc (09022015). Collection method: clinical testing. Allele origin: germline.
Comment: This sequence change creates a premature translational stop signal (p.Asn149*) in the AP4B1 gene. It is expected to result in an absent or disrupted protein product. Loss-of-function variants in AP4B1 are known to be pathogenic (PMID: 22290197, 24700674, 24781758). This variant is not present in population databases (gnomAD no frequency). This variant has not been reported in the literature in individuals affected with AP4B1-related conditions. ClinVar contains an entry for this variant (Variation ID: 2911976). For these reasons, this variant has been classified as Pathogenic.

Literature cited by the submitters: PubMed 22290197; PubMed 24700674; PubMed 24781758.

NM_001253852.3(AP4B1):c.444dup (p.Asn149Ter)

Gene: AP4B1 (adaptor related protein complex 4 subunit beta 1; minus strand). Cytogenetic location: 1p13.2.
Variant type: Duplication.
Coding change: c.444dup on transcript NM_001253852.3 (MANE Select); coding-DNA position 444, one base duplicated (T; older notation c.444dupT).
Protein change: p.Asn149Ter; replaces asparagine 149 with a stop codon.
Molecular consequence: nonsense. On other transcripts: intron variant (1).
Genome position (GRCh38, 1-based): chr1:113,901,780, A duplicated on the plus strand (T on the coding strand, the reverse complement: AP4B1 is on the minus strand). VCF-style (leftmost placement, unchanged base first): chr1-113901779-T-TA. GRCh37 (hg19) VCF-style: chr1-114444401-T-TA.
Other names: c.147dup, p.Asn50Ter (NM_001253853.3); c.444dup, p.Asn149Ter (NM_006594.5); c.114-1380dup (NM_001308312.2); short protein forms N149*, N50*.
Identifiers: ClinVar variation 2911976 (VCV002911976.3), dbSNP rs1422502266, ClinGen allele CA885740172.